The following is an entry in ClinVar:

ClinVar aggregate classification (germline): Uncertain significance (1 of 4 stars; one submission).

Conditions:
Wilms tumor 1 (WT1). Also called: Wilms tumor, somatic. Identifiers: Orphanet 654, MedGen CN033288, MONDO:0008679, OMIM 194070.
Frasier syndrome. Identifiers: Orphanet 347, MedGen C0950122, MeSH D052159, MONDO:0007635, OMIM 136680.
11p partial monosomy syndrome (WAGR). Also called: WAGR Spectrum Disorder; WAGR Complex; WAGR syndrome; CHROMOSOME 11p13 DELETION SYNDROME. Identifiers: Orphanet 893, MedGen C0206115, MONDO:0008681, OMIM 194072.
Drash syndrome (DDS). Also called: NEPHROPATHY, WILMS TUMOR, AND GENITAL ANOMALIES; WILMS TUMOR AND PSEUDO- OR TRUE HERMAPHRODITISM. Identifiers: Orphanet 220, MedGen C0950121, MONDO:0008682, OMIM 194080.

Submission:

Labcorp Genetics (formerly Invitae), Labcorp
Classification: Uncertain significance for Wilms tumor 1; Drash syndrome; 11p partial monosomy syndrome; Frasier syndrome. Last evaluated: 2021-08-13. Review status: criteria provided, single submitter. Criteria: Invitae Variant Classification Sherloc (09022015). Collection method: clinical testing. Allele origin: germline.
Comment: In summary, the available evidence is currently insufficient to determine the role of this variant in disease. Therefore, it has been classified as a Variant of Uncertain Significance. Experimental studies and prediction algorithms are not available or were not evaluated, and the functional significance of this variant is currently unknown. This variant has not been reported in the literature in individuals affected with WT1-related conditions. The frequency data for this variant in the population databases is considered unreliable, as metrics indicate insufficient coverage at this position in the ExAC database. This variant, c.18_19delinsAC, is a complex sequence change that results in the deletion of 1 and insertion of 1 amino acid(s) in the WT1 protein (p.Thr7Pro).

NM_024426.6(WT1):c.33_34delinsAC (p.Thr12Pro)

Genes: WT1 (WT1 transcription factor; minus strand), LOC107982234 (WT1/WT1-AS bi-directional promoter region; plus strand). Cytogenetic location: 11p13.
Variant type: Indel.
Coding change: c.33_34delinsAC on transcript NM_024426.6 (MANE Select); coding-DNA positions 33 to 34, CA replaced by AC.
Protein change: p.Thr12Pro; replaces threonine 12 with proline.
Molecular consequence: missense variant. On other transcripts: non-coding transcript variant (1).
Genome position (GRCh38, 1-based): chr11:32,435,327-32,435,328, TG replaced by GT on the plus strand (CA replaced by AC on the coding strand, the reverse complement: WT1 is on the minus strand). VCF-style: chr11-32435327-TG-GT. GRCh37 (hg19) VCF-style: chr11-32456873-TG-GT.
Other names: c.33_34delinsAC, p.Thr12Pro (NM_000378.6, NM_024424.5); short protein forms T12P.
Identifiers: ClinVar variation 1512513 (VCV001512513.6), dbSNP rs2133107830, ClinGen allele CA2573146221.